The following is an entry in ClinVar:

ClinVar aggregate classification (germline): Uncertain significance (1 of 4 stars; one submission).

Conditions:
Cardiovascular phenotype. Identifiers: MedGen CN230736.

Submission:

Ambry Genetics
Classification: Uncertain significance for Cardiovascular phenotype. Last evaluated: 2023-03-12. Review status: criteria provided, single submitter. Criteria: Ambry Variant Classification Scheme 2023. Collection method: clinical testing. Allele origin: germline.
Comment: The p.V129M variant (also known as c.385G>A), located in coding exon 4 of the RIT1 gene, results from a G to A substitution at nucleotide position 385. The valine at codon 129 is replaced by methionine, an amino acid with highly similar properties. This amino acid position is conserved. In addition, the in silico prediction for this alteration is inconclusive. Since supporting evidence is limited at this time, the clinical significance of this alteration remains unclear.

NM_006912.6(RIT1):c.385G>A (p.Val129Met)

Gene: RIT1 (Ras like without CAAX 1; minus strand). Cytogenetic location: 1q22.
Variant type: single nucleotide variant.
Coding change: c.385G>A on transcript NM_006912.6 (MANE Select); coding-DNA position 385, G replaced by A.
Protein change: p.Val129Met; replaces valine 129 with methionine.
Molecular consequence: missense variant.
Genome position (GRCh38, 1-based): chr1:155,904,355, C>T on the plus strand (G>A on the coding strand, the complement: RIT1 is on the minus strand). VCF-style: chr1-155904355-C-T. GRCh37 (hg19) VCF-style: chr1-155874146-C-T.
Other names: c.277G>A, p.Val93Met (NM_001256820.2); c.436G>A, p.Val146Met (NM_001256821.2); short protein forms V129M, V146M, V93M.
Identifiers: ClinVar variation 2447641 (VCV002447641.2), dbSNP rs2527179990, ClinGen allele CA342802218.
Genomic context (GRCh38, chr1:155,904,355, plus strand): 5'-TCTTCTCTATCCTCACCTGTCTTAGCTGTTTGAGGTCTGACTTGTTTCCCACAAGAACCA[C>T]AGGTGTATCGTCAGTACGTCGGACTCGATAAATAAGCTGTTTAAACTCACGAACTTCATG-3'
Protein context (NP_008843.1, residues 119-139): YRVRRTDDTP[Val129Met]VLVGNKSDLK